The following is an entry in ClinVar:

NM_000065.5(C6):c.1618C>G (p.Leu540Val)

Gene: C6 (complement C6; minus strand). Cytogenetic location: 5p13.1.
Variant type: single nucleotide variant.
Coding change: c.1618C>G on transcript NM_000065.5 (MANE Select); coding-DNA position 1618, C replaced by G.
Protein change: p.Leu540Val; replaces leucine 540 with valine.
Molecular consequence: missense variant.
Genome position (GRCh38, 1-based): chr5:41,160,208, G>C on the plus strand (C>G on the coding strand, the complement: C6 is on the minus strand). VCF-style: chr5-41160208-G-C. GRCh37 (hg19) VCF-style: chr5-41160310-G-C.
Other names: c.1618C>G, p.Leu540Val (NM_001115131.4); c.1618C>G (NM_000065.2); short protein forms L540V.
Identifiers: ClinVar variation 1465340 (VCV001465340.6), dbSNP rs190268323, ClinGen allele CA3252404.

ClinVar aggregate classification (germline): Uncertain significance. Review status: criteria provided, multiple submitters, no conflicts (2 of 4 stars). 2 submissions from 2 submitters: Uncertain significance (2). Last evaluated 2024-06-17.

Conditions:
Inborn genetic diseases. Identifiers: MedGen C0950123, MeSH D030342.

Allele frequency attached by ClinVar (database versions not stated): gnomAD 0.00004 and 0.00006; gnomAD exomes 0.00004 and 0.00009; ExAC 0.00009; TOPMed 0.00012; 1000 Genomes Project 0.00040; 1000 Genomes Project 30x 0.00047.
gnomAD v4.1: 67 of 1,613,902 alleles (0.0042%); highest among the groups gnomAD compares: East Asian, 0.14%; no homozygotes.

Submissions (2):

Labcorp Genetics (formerly Invitae), Labcorp
Classification: Uncertain significance. Last evaluated: 2024-06-17. Review status: criteria provided, single submitter. Criteria: Invitae Variant Classification Sherloc (09022015). Collection method: clinical testing. Allele origin: germline.
Comment: This sequence change replaces leucine, which is neutral and non-polar, with valine, which is neutral and non-polar, at codon 540 of the C6 protein (p.Leu540Val). This variant is present in population databases (rs190268323, gnomAD 0.1%). This variant has not been reported in the literature in individuals affected with C6-related conditions. ClinVar contains an entry for this variant (Variation ID: 1465340). Algorithms developed to predict the effect of missense changes on protein structure and function output the following: SIFT: "Not Available"; PolyPhen-2: "Benign"; Align-GVGD: "Not Available". The valine amino acid residue is found in multiple mammalian species, which suggests that this missense change does not adversely affect protein function. In summary, the available evidence is currently insufficient to determine the role of this variant in disease. Therefore, it has been classified as a Variant of Uncertain Significance.

Ambry Genetics
Classification: Uncertain significance for Inborn genetic diseases. Last evaluated: 2023-12-01. Review status: criteria provided, single submitter. Criteria: Ambry Variant Classification Scheme 2023. Collection method: clinical testing. Allele origin: germline.